The following is an entry in ClinVar:

NM_001113491.2(SEPTIN9):c.1445C>T (p.Ser482Leu)

Gene: SEPTIN9 (septin 9; plus strand). Cytogenetic location: 17q25.3.
Variant type: single nucleotide variant.
Coding change: c.1445C>T on transcript NM_001113491.2 (MANE Select); coding-DNA position 1445, C replaced by T.
Protein change: p.Ser482Leu; replaces serine 482 with leucine.
Molecular consequence: missense variant.
Genome position (GRCh38, 1-based): chr17:77,492,685, C>T. VCF-style: chr17-77492685-C-T. GRCh37 (hg19) VCF-style: chr17-75488767-C-T.
Other names: c.953C>T, p.Ser318Leu (NM_001113492.2, NM_001113494.1); c.1424C>T, p.Ser475Leu (NM_001113493.2); c.692C>T, p.Ser231Leu (NM_001113495.2, NM_001113496.2, NM_001293697.2 and 1 more transcripts); c.1388C>T, p.Ser463Leu (NM_001293695.2); c.773C>T, p.Ser258Leu (NM_001293696.2); c.1391C>T, p.Ser464Leu (NM_006640.5); short protein forms S231L, S258L, S318L, S463L, S464L, S475L, S482L.
Identifiers: ClinVar variation 2445535 (VCV002445535.4), dbSNP rs780672539, ClinGen allele CA8793796.

ClinVar aggregate classification (germline): Uncertain significance (1 of 4 stars; one submission).

Allele frequency attached by ClinVar (database versions not stated): gnomAD 0.00001; TOPMed 0.00001; ExAC 0.00002; gnomAD exomes 0.00002.
gnomAD v4.1: 25 of 1,613,982 alleles (0.0015%); highest among the groups gnomAD compares: Admixed American, 0.005%; no homozygotes.

Submission:

Labcorp Genetics (formerly Invitae), Labcorp
Classification: Uncertain significance. Last evaluated: 2022-06-08. Review status: criteria provided, single submitter. Criteria: Invitae Variant Classification Sherloc (09022015). Collection method: clinical testing. Allele origin: germline.
Comment: In summary, the available evidence is currently insufficient to determine the role of this variant in disease. Therefore, it has been classified as a Variant of Uncertain Significance. Algorithms developed to predict the effect of missense changes on protein structure and function are either unavailable or do not agree on the potential impact of this missense change (SIFT: "Deleterious"; PolyPhen-2: "Benign"; Align-GVGD: "Class C0"). This variant has not been reported in the literature in individuals affected with SEPT9-related conditions. This variant is present in population databases (rs780672539, gnomAD 0.01%). This sequence change replaces serine, which is neutral and polar, with leucine, which is neutral and non-polar, at codon 464 of the SEPT9 protein (p.Ser464Leu).